The following is an entry in ClinVar:

ClinVar aggregate classification (germline): Uncertain significance (1 of 4 stars; one submission).

Conditions:
Tuberous sclerosis syndrome (TSC). Also called: Tuberous Sclerosis Complex; Tuberous sclerosis. Identifiers: Orphanet 805, MedGen C0041341, MONDO:0001734.

Submission:

Color Diagnostics, LLC DBA Color Health
Classification: Uncertain significance for Tuberous sclerosis syndrome. Last evaluated: 2025-07-07. Review status: criteria provided, single submitter. Criteria: ACMG Guidelines, 2015. Collection method: clinical testing. Allele origin: germline.
Comment: This missense variant replaces glutamic acid with lysine at codon 864 of the TSC1 protein. Computational prediction suggests that this variant may not impact protein structure and function. To our knowledge, functional studies have not been reported for this variant. This variant has not been reported in individuals affected with TSC1-related disorders in the literature. This variant has not been identified in the general population by the Genome Aggregation Database (gnomAD). The available evidence is insufficient to determine the role of this variant in disease conclusively. Therefore, this variant is classified as a Variant of Uncertain Significance.

NM_000368.5(TSC1):c.2590G>A (p.Glu864Lys)

Gene: TSC1 (TSC complex subunit 1; minus strand). Cytogenetic location: 9q34.13.
Variant type: single nucleotide variant.
Coding change: c.2590G>A on transcript NM_000368.5 (MANE Select); coding-DNA position 2590, G replaced by A.
Protein change: p.Glu864Lys; replaces glutamic acid 864 with lysine.
Molecular consequence: missense variant. On other transcripts: non-coding transcript variant (5).
Genome position (GRCh38, 1-based): chr9:132,900,750, C>T on the plus strand (G>A on the coding strand, the complement: TSC1 is on the minus strand). VCF-style: chr9-132900750-C-T. GRCh37 (hg19) VCF-style: chr9-135776137-C-T.
Other names: c.2587G>A, p.Glu863Lys (NM_001162426.2, NM_001406597.1, NM_001406598.1 and 2 more transcripts); c.2437G>A, p.Glu813Lys (NM_001162427.2, NM_001406610.1); c.2227G>A, p.Glu743Lys (NM_001362177.2, NM_001406614.1, NM_001406615.1 and 4 more transcripts); c.2545G>A, p.Glu849Lys (NM_001406609.1, NM_001406608.1); c.2590G>A, p.Glu864Lys (NM_001406592.1, NM_001406593.1, NM_001406594.1 and 2 more transcripts); c.2575G>A, p.Glu859Lys (NM_001406601.1, NM_001406602.1); c.2572G>A, p.Glu858Lys (NM_001406603.1, NM_001406604.1); c.2548G>A, p.Glu850Lys (NM_001406605.1, NM_001406606.1, NM_001406607.1); and 8 more; short protein forms E513K, E546K, E547K, E728K, E729K, E742K, E743K, E798K.
Identifiers: ClinVar variation 4757530 (VCV004757530.1).
Genomic context (GRCh38, chr9:132,900,750, plus strand): 5'-GTCTGGCTCCCGAGCCCTGGCATACCTTTGTGGTATCTGAGTGCTTGTTCTGCAGTTGTT[C>T]CAAATAGAGCTCGTTGACCTCCCCAAGAACCAACAGCTGCCTGTTCAAGAACTCCATCTG-3'
Protein context (NP_000359.1, residues 854-874): VLGEVNELYL[Glu864Lys]QLQNKHSDTT